The following is an entry in ClinVar:

NM_001371904.1(APOA5):c.707C>T (p.Thr236Met)

Gene: APOA5 (apolipoprotein A5; minus strand). Cytogenetic location: 11q23.3.
Variant type: single nucleotide variant.
Coding change: c.707C>T on transcript NM_001371904.1 (MANE Select); coding-DNA position 707, C replaced by T.
Protein change: p.Thr236Met; replaces threonine 236 with methionine.
Molecular consequence: missense variant.
Genome position (GRCh38, 1-based): chr11:116,790,522, G>A on the plus strand (C>T on the coding strand, the complement: APOA5 is on the minus strand). VCF-style: chr11-116790522-G-A. GRCh37 (hg19) VCF-style: chr11-116661238-G-A.
Other names: c.707C>T, p.Thr236Met (NM_001166598.2, NM_052968.5); short protein forms T236M.
Identifiers: ClinVar variation 3615612 (VCV003615612.2).

ClinVar aggregate classification (germline): Uncertain significance (1 of 4 stars; one submission).

gnomAD v4.1: 34 of 1,598,942 alleles (0.0021%); highest among the groups gnomAD compares: Non-Finnish European, 0.0028%; no homozygotes.

Submission:

Labcorp Genetics (formerly Invitae), Labcorp
Classification: Uncertain significance. Last evaluated: 2024-08-06. Review status: criteria provided, single submitter. Criteria: Invitae Variant Classification Sherloc (09022015). Collection method: clinical testing. Allele origin: germline.
Comment: This sequence change replaces threonine, which is neutral and polar, with methionine, which is neutral and non-polar, at codon 236 of the APOA5 protein (p.Thr236Met). The frequency data for this variant in the population databases is considered unreliable, as metrics indicate poor data quality at this position in the gnomAD database. This variant has not been reported in the literature in individuals affected with APOA5-related conditions. An algorithm developed to predict the effect of missense changes on protein structure and function (PolyPhen-2) suggests that this variant is likely to be disruptive. In summary, the available evidence is currently insufficient to determine the role of this variant in disease. Therefore, it has been classified as a Variant of Uncertain Significance.